The following is an entry in ClinVar:

ClinVar aggregate classification (germline): Uncertain significance (1 of 4 stars; one submission).

Conditions:
Cardiovascular phenotype. Identifiers: MedGen CN230736.

Submission:

Ambry Genetics
Classification: Uncertain significance for Cardiovascular phenotype. Last evaluated: 2025-05-19. Review status: criteria provided, single submitter. Criteria: Ambry Variant Classification Scheme 2023. Collection method: clinical testing. Allele origin: germline.
Comment: The p.R256L variant (also known as c.767G>T), located in coding exon 7 of the SPRED1 gene, results from a G to T substitution at nucleotide position 767. The arginine at codon 256 is replaced by leucine, an amino acid with dissimilar properties. This amino acid position is conserved. In addition, this alteration is predicted to be deleterious by in silico analysis. Based on the available evidence, the clinical significance of this variant remains unclear.

NM_152594.3(SPRED1):c.767G>T (p.Arg256Leu)

Gene: SPRED1 (sprouty related EVH1 domain containing 1; plus strand). Cytogenetic location: 15q14.
Variant type: single nucleotide variant.
Coding change: c.767G>T on transcript NM_152594.3 (MANE Select); coding-DNA position 767, G replaced by T.
Protein change: p.Arg256Leu; replaces arginine 256 with leucine.
Molecular consequence: missense variant.
Genome position (GRCh38, 1-based): chr15:38,351,096, G>T. VCF-style: chr15-38351096-G-T. GRCh37 (hg19) VCF-style: chr15-38643297-G-T.
Other names: short protein forms R256L.
Identifiers: ClinVar variation 3961395 (VCV003961395.1).